The following is an entry in ClinVar:

ClinVar aggregate classification (germline): Uncertain significance. Review status: criteria provided, multiple submitters, no conflicts (2 of 4 stars). 4 submissions from 4 submitters: Uncertain significance (4). Last evaluated 2025-09-10.

Conditions:
Inborn genetic diseases. Identifiers: MedGen C0950123, MeSH D030342.
Oculocutaneous albinism type 1A (OCA1A). Also called: Albinism, oculocutaneous, type IA. Identifiers: Orphanet 352731, Orphanet 79431, MedGen C4551504, MONDO:0008745, OMIM 203100. Disease mechanism: loss of function.

Allele frequency attached by ClinVar (database versions not stated): gnomAD 0.00001 and 0.00002; ExAC 0.00003; gnomAD exomes 0.00004 and 0.00006; TOPMed 0.00003.

Submissions (4):

Genomic Medicine Center of Excellence, King Faisal Specialist Hospital and Research Centre
Classification: Uncertain significance for Oculocutaneous albinism type 1A. Last evaluated: 2025-09-10. Review status: criteria provided, single submitter. Criteria: ACMG Guidelines, 2015. Collection method: clinical testing. Allele origin: germline.

Ambry Genetics
Classification: Uncertain significance for Inborn genetic diseases. Last evaluated: 2025-08-21. Review status: criteria provided, single submitter. Criteria: Ambry Variant Classification Scheme 2023. Collection method: clinical testing. Allele origin: germline.

Labcorp Genetics (formerly Invitae), Labcorp
Classification: Uncertain significance. Last evaluated: 2022-10-03. Review status: criteria provided, single submitter. Criteria: Invitae Variant Classification Sherloc (09022015). Collection method: clinical testing. Allele origin: germline.
Comment: This sequence change replaces arginine, which is basic and polar, with cysteine, which is neutral and slightly polar, at codon 405 of the TYR protein (p.Arg405Cys). This variant is present in population databases (rs746811736, gnomAD 0.01%). This variant has not been reported in the literature in individuals affected with TYR-related conditions. ClinVar contains an entry for this variant (Variation ID: 1311862). Advanced modeling of protein sequence and biophysical properties (such as structural, functional, and spatial information, amino acid conservation, physicochemical variation, residue mobility, and thermodynamic stability) performed at Invitae indicates that this missense variant is not expected to disrupt TYR protein function. In summary, the available evidence is currently insufficient to determine the role of this variant in disease. Therefore, it has been classified as a Variant of Uncertain Significance.

GeneDx
Classification: Uncertain significance. Last evaluated: 2019-09-12. Review status: criteria provided, single submitter. Criteria: GeneDx Variant Classification Process June 2021. Collection method: clinical testing. Allele origin: germline. Affected: yes.
Comment: Not observed at a significant frequency in large population cohorts (Lek et al., 2016); In silico analysis, which includes protein predictors and evolutionary conservation, supports a deleterious effect; Has not been previously published as pathogenic or benign to our knowledge

NM_000372.5(TYR):c.1213C>T (p.Arg405Cys)

Gene: TYR (tyrosinase; plus strand). Cytogenetic location: 11q14.3.
Variant type: single nucleotide variant.
Coding change: c.1213C>T on transcript NM_000372.5 (MANE Select); coding-DNA position 1213, C replaced by T.
Protein change: p.Arg405Cys; replaces arginine 405 with cysteine.
Molecular consequence: missense variant.
Genome position (GRCh38, 1-based): chr11:89,284,801, C>T. VCF-style: chr11-89284801-C-T. GRCh37 (hg19) VCF-style: chr11-89017969-C-T.
Other names: short protein forms R405C.
Identifiers: ClinVar variation 1311862 (VCV001311862.6), dbSNP rs746811736, ClinGen allele CA6221381.